The following is an entry in ClinVar:

NM_025136.4(OPA3):c.433C>T (p.Pro145Ser)

Genes: OPA3 (outer mitochondrial membrane lipid metabolism regulator OPA3; minus strand), OPA3-RTN2 (OPA3-RTN2 readthrough; minus strand). Cytogenetic location: 19q13.32.
Variant type: single nucleotide variant.
Coding change: c.433C>T on transcript NM_025136.4 (MANE Select); coding-DNA position 433, C replaced by T.
Protein change: p.Pro145Ser; replaces proline 145 with serine.
Molecular consequence: missense variant. On other transcripts: intron variant (1).
Genome position (GRCh38, 1-based): chr19:45,553,621, G>A on the plus strand (C>T on the coding strand, the complement: OPA3 is on the minus strand). VCF-style: chr19-45553621-G-A. GRCh37 (hg19) VCF-style: chr19-46056879-G-A.
Other names: c.143-24165C>T (NM_001017989.3); short protein forms P145S.
Identifiers: ClinVar variation 2334863 (VCV002334863.7), dbSNP rs1170629118, ClinGen allele CA406370007.

ClinVar aggregate classification (germline): Uncertain significance. Review status: criteria provided, multiple submitters, no conflicts (2 of 4 stars). 3 submissions from 3 submitters: Uncertain significance (3). Last evaluated 2026-06-01.

Conditions:
Inborn genetic diseases. Identifiers: MedGen C0950123, MeSH D030342.
Optic atrophy 3 (OPA3). Also called: OPTIC ATROPHY 3, AUTOSOMAL DOMINANT; Optic atrophy, cataract, and neurologic disorder; Optic atrophy 3 with cataract. Identifiers: Orphanet 67036, MedGen C1833809, MONDO:0008133, OMIM 165300.
3-Methylglutaconic aciduria type 3 (MGCA3). Also called: OPA3, AUTOSOMAL RECESSIVE; OPTIC ATROPHY 3, AUTOSOMAL RECESSIVE; OPA3-Related 3-Methylglutaconic Aciduria; Costeff Syndrome. Identifiers: Orphanet 67047, MedGen C0574084, MONDO:0009787, OMIM 258501.

Allele frequency attached by ClinVar (database versions not stated): TOPMed below 0.00001; gnomAD 0.00001; gnomAD exomes 0.00001.

Submissions (3):

CeGaT Center for Human Genetics Tuebingen
Classification: Uncertain significance. Last evaluated: 2026-06-01. Review status: criteria provided, single submitter. Criteria: CeGaT Center For Human Genetics Tuebingen Variant Classification Criteria Version 2. Collection method: clinical testing. Allele origin: germline. Affected: yes. Observed: 1 variant allele.
Comment: OPA3: PM2, BP4

Labcorp Genetics (formerly Invitae), Labcorp
Classification: Uncertain significance for 3-Methylglutaconic aciduria type 3; Optic atrophy 3. Last evaluated: 2024-05-15. Review status: criteria provided, single submitter. Criteria: Invitae Variant Classification Sherloc (09022015). Collection method: clinical testing. Allele origin: germline.
Comment: This sequence change replaces proline, which is neutral and non-polar, with serine, which is neutral and polar, at codon 145 of the OPA3 protein (p.Pro145Ser). This variant is not present in population databases (gnomAD no frequency). This variant has not been reported in the literature in individuals affected with OPA3-related conditions. ClinVar contains an entry for this variant (Variation ID: 2334863). An algorithm developed to predict the effect of missense changes on protein structure and function (PolyPhen-2) suggests that this variant is likely to be tolerated. In summary, the available evidence is currently insufficient to determine the role of this variant in disease. Therefore, it has been classified as a Variant of Uncertain Significance.

Ambry Genetics
Classification: Uncertain significance for Inborn genetic diseases. Last evaluated: 2022-12-14. Review status: criteria provided, single submitter. Criteria: Ambry Variant Classification Scheme 2023. Collection method: clinical testing. Allele origin: germline.